The following is an entry in ClinVar:

NM_018904.3(PCDHA13):c.2202G>A (p.Pro734=)

Genes: PCDHA1 (protocadherin alpha 1; plus strand), PCDHA10 (protocadherin alpha 10; plus strand), PCDHA11 (protocadherin alpha 11; plus strand), PCDHA12 (protocadherin alpha 12; plus strand), PCDHA13 (protocadherin alpha 13; plus strand) and 9 more. Cytogenetic location: 5q31.3.
Variant type: single nucleotide variant.
Coding change: c.2202G>A on transcript NM_018904.3 (MANE Select); coding-DNA position 2202, G replaced by A.
Protein change: p.Pro734=; no amino-acid change (proline 734 retained).
Molecular consequence: synonymous variant. On other transcripts: intron variant (15).
Genome position (GRCh38, 1-based): chr5:140,884,470, G>A. VCF-style: chr5-140884470-G-A. GRCh37 (hg19) VCF-style: chr5-140264055-G-A.
Other names: c.2202G>A, p.Pro734= (NM_031865.2); c.2395-94479G>A (NM_018900.4); c.1603-94479G>A (NM_031411.3); c.2388+87118G>A (NM_018905.3); c.2394+80879G>A (NM_018906.3); c.2385+74898G>A (NM_018907.4); c.2352+60343G>A (NM_018908.3); c.2394+53985G>A (NM_018909.4); and 8 more.
Identifiers: ClinVar variation 2655801 (VCV002655801.24), dbSNP rs1453696477, ClinGen allele CA446825945.

ClinVar aggregate classification (germline): Likely benign (1 of 4 stars; one submission).

Allele frequency attached by ClinVar (database versions not stated): gnomAD exomes below 0.00001; TOPMed below 0.00001; gnomAD 0.00001.
gnomAD v4.1: 4 of 1,613,644 alleles (0.00025%); highest among the groups gnomAD compares: South Asian, 0.0022%; no homozygotes.

Submission:

CeGaT Center for Human Genetics Tuebingen
Classification: Likely benign. Last evaluated: 2022-10-01. Review status: criteria provided, single submitter. Criteria: CeGaT Center For Human Genetics Tuebingen Variant Classification Criteria Version 2. Collection method: clinical testing. Allele origin: germline. Affected: yes. Observed: 1 variant allele.
Comment: PCDHA13: BP4, BP7